The following is an entry in ClinVar:

ClinVar aggregate classification (germline): Uncertain significance (1 of 4 stars; one submission).

Conditions:
RERE-related disorder. Also called: RERE-Related Disorders; RERE-related condition. Identifiers: MedGen CN381537.

Submission:

PreventionGenetics, part of Exact Sciences
Classification: Uncertain significance for RERE-related condition. Last evaluated: 2022-08-30. Review status: criteria provided, single submitter. Criteria: ACMG Guidelines, 2015. Collection method: clinical testing. Allele origin: germline.
Comment: The RERE c.812G>C variant is predicted to result in the amino acid substitution p.Gly271Ala. To our knowledge, this variant has not been reported in the literature or in a large population database, indicating this variant is rare. At this time, the clinical significance of this variant is uncertain due to the absence of conclusive functional and genetic evidence.

NM_001042681.2(RERE):c.812G>C (p.Gly271Ala)

Gene: RERE (arginine-glutamic acid dipeptide repeats; minus strand). Cytogenetic location: 1p36.23.
Variant type: single nucleotide variant.
Coding change: c.812G>C on transcript NM_001042681.2 (MANE Select); coding-DNA position 812, G replaced by C.
Protein change: p.Gly271Ala; replaces glycine 271 with alanine.
Molecular consequence: missense variant.
Genome position (GRCh38, 1-based): chr1:8,541,232, C>G on the plus strand (G>C on the coding strand, the complement: RERE is on the minus strand). VCF-style: chr1-8541232-C-G. GRCh37 (hg19) VCF-style: chr1-8601291-C-G.
Other names: c.812G>C, p.Gly271Ala (NM_012102.4); short protein forms G271A.
Identifiers: ClinVar variation 2628835 (VCV002628835.1), dbSNP rs2522088316, ClinGen allele CA338223516.
Genomic context (GRCh38, chr1:8,541,232, plus strand): 5'-GGAAAAGAGTTCTCAATGAATGGACACAAGTGACTCACTTACCTTGTCTCAGGGTTATAT[C>G]CTAATATGTAGAAAAATGAATCCACTCGGGCTTTAAACTCTCTAGCAGCAAATATGTCAG-3'
Protein context (NP_001036146.1, residues 261-281): ARVDSFFYIL[Gly271Ala]YNPETRRLNS